The following is an entry in ClinVar:

NM_001130438.3(SPTAN1):c.881T>G (p.Leu294Arg)

Gene: SPTAN1 (spectrin alpha, non-erythrocytic 1; plus strand). Cytogenetic location: 9q34.11.
Variant type: single nucleotide variant.
Coding change: c.881T>G on transcript NM_001130438.3 (MANE Select); coding-DNA position 881, T replaced by G.
Protein change: p.Leu294Arg; replaces leucine 294 with arginine.
Molecular consequence: missense variant.
Genome position (GRCh38, 1-based): chr9:128,577,224, T>G. VCF-style: chr9-128577224-T-G. GRCh37 (hg19) VCF-style: chr9-131339503-T-G.
Other names: c.881T>G, p.Leu294Arg (NM_001195532.2, NM_001363759.2, NM_001363765.2 and 10 more transcripts); c.917T>G, p.Leu306Arg (NM_001375312.2, NM_001375318.1, NM_001438440.1); short protein forms L294R, L306R.
Identifiers: ClinVar variation 5009619 (VCV005009619.1).

ClinVar aggregate classification (germline): Uncertain significance (1 of 4 stars; one submission).

Submission:

GeneDx
Classification: Uncertain significance. Last evaluated: 2026-03-02. Review status: criteria provided, single submitter. Criteria: GeneDx Variant Classification Process June 2021. Collection method: clinical testing. Allele origin: germline.
Comment: Not observed at significant frequency in large population cohorts (gnomAD); In silico analysis suggests that this missense variant does not alter protein structure/function; Has not been previously published as pathogenic or benign to our knowledge